The following is an entry in ClinVar:

NM_001379500.1(COL18A1):c.107-12434C>T

Gene: COL18A1 (collagen type XVIII alpha 1 chain; plus strand). Cytogenetic location: 21q22.3.
Variant type: single nucleotide variant.
Coding change: c.107-12434C>T on transcript NM_001379500.1 (MANE Select); 12434 bases into the intron before coding-DNA position 107, C replaced by T.
Molecular consequence: intron variant. On other transcripts: missense variant (2).
Genome position (GRCh38, 1-based): chr21:45,455,808, C>T. VCF-style: chr21-45455808-C-T. GRCh37 (hg19) VCF-style: chr21-46875722-C-T.
Other names: c.278C>T, p.Thr93Ile (NM_030582.4, NM_130444.3); short protein forms T93I.
Identifiers: ClinVar variation 1411390 (VCV001411390.6), dbSNP rs2145851596, ClinGen allele CA410505501.
Genomic context (GRCh38, chr21:45,455,808, plus strand): 5'-CAGCGACAGCCCCTGGCAGCCCTGAGCCACCCTCAGAGCTGCTGGAAGATGGCCAGGACA[C>T]CCCCACTTCTGCCGAGAGCCCGGACGCGCCAGAGGAGAACATTGCCGGTGTCGGAGCCGA-3'

ClinVar aggregate classification (germline): Uncertain significance (1 of 4 stars; one submission).

Submission:

Labcorp Genetics (formerly Invitae), Labcorp
Classification: Uncertain significance. Last evaluated: 2022-03-14. Review status: criteria provided, single submitter. Criteria: Invitae Variant Classification Sherloc (09022015). Collection method: clinical testing. Allele origin: germline.
Comment: In summary, the available evidence is currently insufficient to determine the role of this variant in disease. Therefore, it has been classified as a Variant of Uncertain Significance. This sequence change replaces threonine, which is neutral and polar, with isoleucine, which is neutral and non-polar, at codon 93 of the COL18A1 protein (p.Thr93Ile). This variant is not present in population databases (gnomAD no frequency). This variant has not been reported in the literature in individuals affected with COL18A1-related conditions. Experimental studies and prediction algorithms are not available or were not evaluated, and the functional significance of this variant is currently unknown. The COL18A1 gene has multiple clinically relevant transcripts. This variant occurs in alternate transcript NM_030582.3, and corresponds to NM_130445.2:c.107-12434C>T in the primary transcript.